The following is an entry in ClinVar:

ClinVar aggregate classification (germline): Pathogenic (1 of 4 stars; one submission).

Conditions:
Curry-Hall syndrome (WAD). Also called: WEYERS ACRODENTAL DYSOSTOSIS. Identifiers: Orphanet 952, MedGen C0457013, MONDO:0008673, OMIM 193530.
Ellis-van Creveld syndrome (EVC). Also called: EVC-Related Ellis-van Creveld Syndrome; EVC2-Related Ellis-van Creveld Syndrome; MESOECTODERMAL DYSPLASIA; Chondroectodermal dysplasia. Identifiers: Orphanet 289, MedGen C0013903, MONDO:0009162, OMIM 225500.

Submission:

Labcorp Genetics (formerly Invitae), Labcorp
Classification: Pathogenic for Curry-Hall syndrome; Ellis-van Creveld syndrome. Last evaluated: 2023-10-17. Review status: criteria provided, single submitter. Criteria: Invitae Variant Classification Sherloc (09022015). Collection method: clinical testing. Allele origin: germline.
Comment: This sequence change creates a premature translational stop signal (p.Glu888*) in the EVC gene. It is expected to result in an absent or disrupted protein product. Loss-of-function variants in EVC are known to be pathogenic (PMID: 23220543). This variant is not present in population databases (gnomAD no frequency). This variant has not been reported in the literature in individuals affected with EVC-related conditions. For these reasons, this variant has been classified as Pathogenic.

Literature cited by the submitters: PubMed 23220543.

NM_153717.3(EVC):c.2662G>T (p.Glu888Ter)

Gene: EVC (EvC ciliary complex subunit 1; plus strand). Cytogenetic location: 4p16.2.
Variant type: single nucleotide variant.
Coding change: c.2662G>T on transcript NM_153717.3 (MANE Select); coding-DNA position 2662, G replaced by T.
Protein change: p.Glu888Ter; replaces glutamic acid 888 with a stop codon.
Molecular consequence: nonsense.
Genome position (GRCh38, 1-based): chr4:5,808,301, G>T. VCF-style: chr4-5808301-G-T. GRCh37 (hg19) VCF-style: chr4-5810028-G-T.
Other names: c.2662G>T, p.Glu888Ter (NM_001306090.2); short protein forms E888*.
Identifiers: ClinVar variation 2932390 (VCV002932390.3), dbSNP rs2474656314, ClinGen allele CA356151124.